The following is an entry in ClinVar:

ClinVar aggregate classification (germline): Likely benign. Review status: criteria provided, single submitter (1 of 4 stars). 2 submissions from 2 submitters: Likely benign (1). 1 of the submissions does not count toward it. Last evaluated 2018-03-05.

Conditions:
PLXND1-related disorder. Also called: PLXND1-related condition.

Allele frequency attached by ClinVar (database versions not stated): gnomAD exomes 0.00007; ExAC 0.00011; TOPMed 0.00018; gnomAD 0.00019 and 0.00020; ESP Exome Variant Server 0.00023; 1000 Genomes Project 0.00040; 1000 Genomes Project 30x 0.00047.
gnomAD v4.1: 76 of 1,603,786 alleles (0.0047%); highest among the groups gnomAD compares: African/African-American, 0.045%; no homozygotes.

Submissions (2):

Labcorp Genetics (formerly Invitae), Labcorp
Classification: Likely benign. Last evaluated: 2018-03-05. Review status: criteria provided, single submitter. Criteria: Invitae Variant Classification Sherloc (09022015). Collection method: clinical testing. Allele origin: germline.

PreventionGenetics, part of Exact Sciences
Classification: Likely benign for PLXND1-related condition. Last evaluated: 2019-05-16. Review status: no assertion criteria provided. Collection method: clinical testing. Allele origin: germline. Not counted in ClinVar's aggregate classification.
Comment: This variant is classified as likely benign based on ACMG/AMP sequence variant interpretation guidelines (Richards et al. 2015 PMID: 25741868, with internal and published modifications).

NM_015103.3(PLXND1):c.4803G>A (p.Pro1601=)

Gene: PLXND1 (plexin D1; minus strand). Cytogenetic location: 3q22.1.
Variant type: single nucleotide variant.
Coding change: c.4803G>A on transcript NM_015103.3 (MANE Select); coding-DNA position 4803, G replaced by A.
Protein change: p.Pro1601=; no amino-acid change (proline 1601 retained).
Molecular consequence: synonymous variant.
Genome position (GRCh38, 1-based): chr3:129,562,809, C>T on the plus strand (G>A on the coding strand, the complement: PLXND1 is on the minus strand). VCF-style: chr3-129562809-C-T. GRCh37 (hg19) VCF-style: chr3-129281652-C-T.
Identifiers: ClinVar variation 730293 (VCV000730293.5), dbSNP rs143250251, ClinGen allele CA2608136.